The following is an entry in ClinVar:

ClinVar aggregate classification (germline): Conflicting classifications of pathogenicity. Review status: criteria provided, conflicting classifications (1 of 4 stars). 5 submissions from 4 submitters: Uncertain significance (2); Likely benign (2). 1 of the submissions does not count toward it. Last evaluated 2026-01-24.

Conditions:
DLL3-related disorder. Also called: DLL3-related condition.
Spondylocostal dysostosis 1, autosomal recessive (SCDO1). Also called: DLL3-Related Spondylocostal Dysostosis, Autosomal Recessive. Identifiers: Orphanet 2311, MedGen CN032975, MONDO:0020692, OMIM 277300.
Syndactyly. Also called: Webbed fingers or toes. Identifiers: MedGen C0039075, MONDO:0021002, HP:0001159.

Allele frequency attached by ClinVar (database versions not stated): gnomAD exomes 0.00010; ExAC 0.00011; gnomAD 0.00015; TOPMed 0.00015.

Submissions (5):

Labcorp Genetics (formerly Invitae), Labcorp
Classification: Likely benign. Last evaluated: 2026-01-24. Review status: criteria provided, single submitter. Criteria: Invitae Variant Classification Sherloc (09022015). Collection method: clinical testing. Allele origin: germline.

Blueprint Genetics
Classification: Likely benign. Last evaluated: 2024-11-26. Review status: criteria provided, single submitter. Criteria: ACMG Guidelines, 2015. Collection method: clinical testing. Allele origin: germline.

Illumina Laboratory Services, Illumina
Classification: Uncertain significance for Non-syndromic syndactyly. Last evaluated: 2018-01-13. Review status: criteria provided, single submitter. Criteria: ICSL Variant Classification Criteria 13 December 2019. Collection method: clinical testing. Allele origin: germline.

Illumina Laboratory Services, Illumina
Classification: Uncertain significance for Spondylocostal dysostosis 1, autosomal recessive. Last evaluated: 2018-01-13. Review status: criteria provided, single submitter. Criteria: ICSL Variant Classification Criteria 13 December 2019. Collection method: clinical testing. Allele origin: germline.

PreventionGenetics, part of Exact Sciences
Classification: Likely benign for DLL3-related condition. Last evaluated: 2019-04-15. Review status: no assertion criteria provided. Collection method: clinical testing. Allele origin: germline. Not counted in ClinVar's aggregate classification.
Comment: This variant is classified as likely benign based on ACMG/AMP sequence variant interpretation guidelines (Richards et al. 2015 PMID: 25741868, with internal and published modifications).

NM_203486.3(DLL3):c.564G>T (p.Thr188=)

Genes: DLL3 (delta like canonical Notch ligand 3; plus strand), LOC130064417 (ATAC-STARR-seq lymphoblastoid silent region 10608; plus strand). Cytogenetic location: 19q13.2.
Variant type: single nucleotide variant.
Coding change: c.564G>T on transcript NM_203486.3 (MANE Select); coding-DNA position 564, G replaced by T.
Protein change: p.Thr188=; no amino-acid change (threonine 188 retained).
Molecular consequence: synonymous variant.
Genome position (GRCh38, 1-based): chr19:39,502,969, G>T. VCF-style: chr19-39502969-G-T. GRCh37 (hg19) VCF-style: chr19-39993609-G-T.
Other names: c.564G>T, p.Thr188= (NM_016941.4).
Identifiers: ClinVar variation 894549 (VCV000894549.11), dbSNP rs767676342, ClinGen allele CA9432214.